The following is an entry in ClinVar:

NM_019032.6(ADAMTSL4):c.136G>A (p.Val46Ile)

Genes: ADAMTSL4 (ADAMTS like 4; plus strand), ADAMTSL4-AS2 (ADAMTSL4 antisense RNA 2; minus strand). Cytogenetic location: 1q21.2.
Variant type: single nucleotide variant.
Coding change: c.136G>A on transcript NM_019032.6 (MANE Select); coding-DNA position 136, G replaced by A.
Protein change: p.Val46Ile; replaces valine 46 with isoleucine.
Molecular consequence: missense variant.
Genome position (GRCh38, 1-based): chr1:150,552,955, G>A. VCF-style: chr1-150552955-G-A. GRCh37 (hg19) VCF-style: chr1-150525431-G-A.
Other names: c.136G>A, p.Val46Ile (NM_001288607.2, NM_001288608.2, NM_001378596.1 and 1 more transcripts); short protein forms V46I.
Identifiers: ClinVar variation 2696666 (VCV002696666.2), dbSNP rs2526584426, ClinGen allele CA342298213.

ClinVar aggregate classification (germline): Uncertain significance (1 of 4 stars; one submission).

Submission:

Labcorp Genetics (formerly Invitae), Labcorp
Classification: Uncertain significance. Last evaluated: 2023-11-17. Review status: criteria provided, single submitter. Criteria: Invitae Variant Classification Sherloc (09022015). Collection method: clinical testing. Allele origin: germline.
Comment: This sequence change replaces valine, which is neutral and non-polar, with isoleucine, which is neutral and non-polar, at codon 46 of the ADAMTSL4 protein (p.Val46Ile). This variant is not present in population databases (gnomAD no frequency). This variant has not been reported in the literature in individuals affected with ADAMTSL4-related conditions. Advanced modeling of protein sequence and biophysical properties (such as structural, functional, and spatial information, amino acid conservation, physicochemical variation, residue mobility, and thermodynamic stability) performed at Invitae indicates that this missense variant is not expected to disrupt ADAMTSL4 protein function with a negative predictive value of 80%. Algorithms developed to predict the effect of sequence changes on RNA splicing suggest that this variant may create or strengthen a splice site. In summary, the available evidence is currently insufficient to determine the role of this variant in disease. Therefore, it has been classified as a Variant of Uncertain Significance.